The following is an entry in ClinVar:

ClinVar aggregate classification (germline): Uncertain significance. Review status: criteria provided, multiple submitters, no conflicts (2 of 4 stars). 2 submissions from 2 submitters: Uncertain significance (2). Last evaluated 2025-06-29.

Conditions:
Inborn genetic diseases. Identifiers: MedGen C0950123, MeSH D030342.
Hepatic veno-occlusive disease-immunodeficiency syndrome. Also called: Hepatic Veno-Occlusive Disease with Immunodeficiency. Identifiers: Orphanet 79124, MedGen C1856128, MONDO:0009338, OMIM 235550. Disease mechanism: loss of function.

gnomAD v4.1: 6 of 1,612,830 alleles (0.00037%); highest among the groups gnomAD compares: Admixed American, 0.01%; no homozygotes.

Submissions (2):

Ambry Genetics
Classification: Uncertain significance for Inborn genetic diseases. Last evaluated: 2025-06-29. Review status: criteria provided, single submitter. Criteria: Ambry Variant Classification Scheme 2023. Collection method: clinical testing. Allele origin: germline.

Labcorp Genetics (formerly Invitae), Labcorp
Classification: Uncertain significance for Hepatic veno-occlusive disease-immunodeficiency syndrome. Last evaluated: 2022-04-20. Review status: criteria provided, single submitter. Criteria: Invitae Variant Classification Sherloc (09022015). Collection method: clinical testing. Allele origin: germline.
Comment: This sequence change replaces leucine, which is neutral and non-polar, with valine, which is neutral and non-polar, at codon 216 of the SP110 protein (p.Leu216Val). This variant is present in population databases (rs759693595, gnomAD 0.009%). This variant has not been reported in the literature in individuals affected with SP110-related conditions. Algorithms developed to predict the effect of missense changes on protein structure and function output the following: SIFT: "Tolerated"; PolyPhen-2: "Benign"; Align-GVGD: "Class C0". The valine amino acid residue is found in multiple mammalian species, which suggests that this missense change does not adversely affect protein function. In summary, the available evidence is currently insufficient to determine the role of this variant in disease. Therefore, it has been classified as a Variant of Uncertain Significance.

NM_080424.4(SP110):c.646C>G (p.Leu216Val)

Genes: SP140 (SP140 nuclear body protein; plus strand), SP110 (SP110 nuclear body protein; minus strand). Cytogenetic location: 2q37.1.
Variant type: single nucleotide variant.
Coding change: c.646C>G on transcript NM_080424.4 (MANE Select); coding-DNA position 646, C replaced by G.
Protein change: p.Leu216Val; replaces leucine 216 with valine.
Molecular consequence: missense variant.
Genome position (GRCh38, 1-based): chr2:230,212,368, G>C on the plus strand (C>G on the coding strand, the complement: SP110 is on the minus strand). VCF-style: chr2-230212368-G-C. GRCh37 (hg19) VCF-style: chr2-231077083-G-C.
Other names: c.664C>G, p.Leu222Val (NM_001185015.2, NM_001378442.1, NM_001378444.1 and 2 more transcripts); c.646C>G, p.Leu216Val (NM_001378443.1, NM_001378447.1, NM_004509.5 and 1 more transcripts); c.646C>G (NM_004509.3); short protein forms L222V, L216V.
Identifiers: ClinVar variation 1911078 (VCV001911078.3), dbSNP rs759693595, ClinGen allele CA2154779.